The following is an entry in ClinVar:

NM_174934.4(SCN4B):c.235-97G>A

Genes: SCN4B (sodium voltage-gated channel beta subunit 4; minus strand), LOC126861356 (BRD4-independent group 4 enhancer GRCh37_chr11:118014519-118015718; plus strand). Cytogenetic location: 11q23.3.
Variant type: single nucleotide variant.
Coding change: c.235-97G>A on transcript NM_174934.4 (MANE Select); 97 bases into the intron before coding-DNA position 235, G replaced by A.
Molecular consequence: intron variant.
Genome position (GRCh38, 1-based): chr11:118,144,158, C>T on the plus strand (G>A on the coding strand, the complement: SCN4B is on the minus strand). VCF-style: chr11-118144158-C-T. GRCh37 (hg19) VCF-style: chr11-118014873-C-T.
Other names: c.62-2822G>A (NM_001142348.2); c.-96-97G>A (NM_001142349.2).
Identifiers: ClinVar variation 673583 (VCV000673583.2), dbSNP rs112525313, ClinGen allele CA13536630.
Genomic context (GRCh38, chr11:118,144,158, plus strand): 5'-GAGAAAGAATCGGGGTCCTCAAGGGTCATGACATCACACCAGCCCACTCCTTGGATGCCT[C>T]CCCTGTCCAGGACCAGGAAGAGCCTGTAGTCACGCCCTGCTCCTTCCCCCCATGGTTTCC-3'

ClinVar aggregate classification (germline): Benign. Review status: criteria provided, multiple submitters, no conflicts (2 of 4 stars). 2 submissions from 2 submitters: Benign (2). Last evaluated 2018-06-14.

Allele frequency attached by ClinVar (database versions not stated): 1000 Genomes Project 0.02097; 1000 Genomes Project 30x 0.02405; TOPMed 0.04749; gnomAD 0.05243 and 0.05305; gnomAD exomes 0.06549.
gnomAD v4.1: 51,432 of 818,526 alleles (6.3%); highest among the groups gnomAD compares: Non-Finnish European, 8%; 1,937 homozygotes.

Submissions (2):

GeneDx
Classification: Benign. Last evaluated: 2018-06-14. Review status: criteria provided, single submitter. Criteria: GeneDx Variant Classification (06012015). Collection method: clinical testing. Allele origin: germline. Affected: yes.
Comment: This variant is considered likely benign or benign based on one or more of the following criteria: it is a conservative change, it occurs at a poorly conserved position in the protein, it is predicted to be benign by multiple in silico algorithms, and/or has population frequency not consistent with disease.

Breakthrough Genomics
Classification: Benign. Review status: criteria provided, single submitter. Criteria: ACMG Guidelines, 2015. Collection method: not provided. Allele origin: germline. Inheritance: Autosomal dominant inheritance. Affected: yes.